The following is an entry in ClinVar:

NM_014861.4(ATP2C2):c.1479G>A (p.Ala493=)

Gene: ATP2C2 (ATPase secretory pathway Ca2+ transporting 2; plus strand). Cytogenetic location: 16q24.1.
Variant type: single nucleotide variant.
Coding change: c.1479G>A on transcript NM_014861.4 (MANE Select); coding-DNA position 1479, G replaced by A.
Protein change: p.Ala493=; no amino-acid change (alanine 493 retained).
Molecular consequence: synonymous variant.
Genome position (GRCh38, 1-based): chr16:84,446,406, G>A. VCF-style: chr16-84446406-G-A. GRCh37 (hg19) VCF-style: chr16-84480012-G-A.
Other names: c.1479G>A, p.Ala493= (NM_001286527.3); c.1026G>A, p.Ala342= (NM_001291454.2).
Identifiers: ClinVar variation 735564 (VCV000735564.5), dbSNP rs376130916, ClinGen allele CA8207396.

ClinVar aggregate classification (germline): Likely benign. Review status: criteria provided, single submitter (1 of 4 stars). 2 submissions from 2 submitters: Likely benign (1). 1 of the submissions does not count toward it. Last evaluated 2018-06-13.

Conditions:
ATP2C2-related disorder. Also called: ATP2C2-related condition.

Allele frequency attached by ClinVar (database versions not stated): gnomAD 0.00014 and 0.00016; TOPMed 0.00017; gnomAD exomes 0.00023 and 0.00033; ExAC 0.00027; ESP Exome Variant Server 0.00034.
gnomAD v4.1: 490 of 1,603,664 alleles (0.031%); highest among the groups gnomAD compares: South Asian, 0.043%; 1 homozygote.

Submissions (2):

Labcorp Genetics (formerly Invitae), Labcorp
Classification: Likely benign. Last evaluated: 2018-06-13. Review status: criteria provided, single submitter. Criteria: Invitae Variant Classification Sherloc (09022015). Collection method: clinical testing. Allele origin: germline.

PreventionGenetics, part of Exact Sciences
Classification: Likely benign for ATP2C2-related condition. Last evaluated: 2019-08-09. Review status: no assertion criteria provided. Collection method: clinical testing. Allele origin: germline. Not counted in ClinVar's aggregate classification.
Comment: This variant is classified as likely benign based on ACMG/AMP sequence variant interpretation guidelines (Richards et al. 2015 PMID: 25741868, with internal and published modifications).